The following is an entry in ClinVar:

NM_000548.5(TSC2):c.3928G>A (p.Val1310Met)

Gene: TSC2 (TSC complex subunit 2; plus strand). Cytogenetic location: 16p13.3.
Variant type: single nucleotide variant.
Coding change: c.3928G>A on transcript NM_000548.5 (MANE Select); coding-DNA position 3928, G replaced by A.
Protein change: p.Val1310Met; replaces valine 1310 with methionine.
Molecular consequence: missense variant.
Genome position (GRCh38, 1-based): chr16:2,083,739, G>A. VCF-style: chr16-2083739-G-A. GRCh37 (hg19) VCF-style: chr16-2133740-G-A.
Other names: c.3727G>A, p.Val1243Met (NM_001077183.3); c.3859G>A, p.Val1287Met (NM_001114382.3); c.3619G>A, p.Val1207Met (NM_001318827.2); c.3583G>A, p.Val1195Met (NM_001318829.2); c.3196G>A, p.Val1066Met (NM_001318831.2); c.3760G>A, p.Val1254Met (NM_001318832.2); c.3730G>A, p.Val1244Met (NM_001363528.2); c.3796G>A, p.Val1266Met (NM_001370404.1); and 1 more; short protein forms V1266M, V1244M, V1267M, V1066M, V1195M, V1207M, V1243M, V1254M.
Identifiers: ClinVar variation 824392 (VCV000824392.15), dbSNP rs1046522975, ClinGen allele CA276752763.

ClinVar aggregate classification (germline): Conflicting classifications of pathogenicity. Review status: criteria provided, conflicting classifications (1 of 4 stars). 3 submissions from 3 submitters: Uncertain significance (2); Benign (1). Last evaluated 2025-09-17.

Conditions:
Tuberous sclerosis 2 (TSC2). Identifiers: Orphanet 805, MedGen C1860707, MONDO:0013199, OMIM 613254.
Hereditary cancer-predisposing syndrome. Also called: Neoplastic Syndromes, Hereditary; Hereditary Cancer Syndrome; Hereditary neoplastic syndrome; Tumor predisposition. Identifiers: Orphanet 140162, MedGen C0027672, MeSH D009386, MONDO:0015356.

Allele frequency attached by ClinVar (database versions not stated): gnomAD exomes below 0.00001 and 0.00001; TOPMed 0.00001; gnomAD 0.00002.
gnomAD v4.1: 6 of 1,605,468 alleles (0.00037%); highest among the groups gnomAD compares: East Asian, 0.0045%; no homozygotes.

Submissions (3):

Ambry Genetics
Classification: Uncertain significance for Hereditary cancer-predisposing syndrome. Last evaluated: 2025-09-17. Review status: criteria provided, single submitter. Criteria: Ambry Variant Classification Scheme 2023. Collection method: clinical testing. Allele origin: germline.
Comment: The p.V1310M variant (also known as c.3928G>A), located in coding exon 32 of the TSC2 gene, results from a G to A substitution at nucleotide position 3928. The valine at codon 1310 is replaced by methionine, an amino acid with highly similar properties. This amino acid position is poorly conserved in available vertebrate species. In addition, this alteration is predicted to be tolerated by in silico analysis. Since supporting evidence is limited at this time, the clinical significance of this alteration remains unclear.

Labcorp Genetics (formerly Invitae), Labcorp
Classification: Benign for Tuberous sclerosis 2. Last evaluated: 2024-12-07. Review status: criteria provided, single submitter. Criteria: Invitae Variant Classification Sherloc (09022015). Collection method: clinical testing. Allele origin: germline.

Genome-Nilou Lab
Classification: Uncertain significance for Tuberous sclerosis 2. Last evaluated: 2021-11-07. Review status: criteria provided, single submitter. Criteria: ACMG Guidelines, 2015. Collection method: clinical testing. Allele origin: germline. Affected: no.